The following is an entry in ClinVar:

ClinVar aggregate classification (germline): Uncertain significance (1 of 4 stars; one submission).

Submission:

Labcorp Genetics (formerly Invitae), Labcorp
Classification: Uncertain significance. Last evaluated: 2024-05-02. Review status: criteria provided, single submitter. Criteria: Invitae Variant Classification Sherloc (09022015). Collection method: clinical testing. Allele origin: germline.
Comment: This sequence change replaces proline, which is neutral and non-polar, with arginine, which is basic and polar, at codon 2196 of the COL7A1 protein (p.Pro2196Arg). This variant is not present in population databases (gnomAD no frequency). This variant has not been reported in the literature in individuals affected with COL7A1-related conditions. ClinVar contains an entry for this variant (Variation ID: 1487779). Advanced modeling of protein sequence and biophysical properties (such as structural, functional, and spatial information, amino acid conservation, physicochemical variation, residue mobility, and thermodynamic stability) performed at Invitae indicates that this missense variant is not expected to disrupt COL7A1 protein function with a negative predictive value of 95%. In summary, the available evidence is currently insufficient to determine the role of this variant in disease. Therefore, it has been classified as a Variant of Uncertain Significance.

NM_000094.4(COL7A1):c.6587C>G (p.Pro2196Arg)

Gene: COL7A1 (collagen type VII alpha 1 chain; minus strand). Cytogenetic location: 3p21.31.
Variant type: single nucleotide variant.
Coding change: c.6587C>G on transcript NM_000094.4 (MANE Select); coding-DNA position 6587, C replaced by G.
Protein change: p.Pro2196Arg; replaces proline 2196 with arginine.
Molecular consequence: missense variant.
Genome position (GRCh38, 1-based): chr3:48,573,544, G>C on the plus strand (C>G on the coding strand, the complement: COL7A1 is on the minus strand). VCF-style: chr3-48573544-G-C. GRCh37 (hg19) VCF-style: chr3-48610977-G-C.
Other names: short protein forms P2196R.
Identifiers: ClinVar variation 1487779 (VCV001487779.5), dbSNP rs2107663318, ClinGen allele CA352656573.